The following is an entry in ClinVar:

ClinVar aggregate classification (germline): Conflicting classifications of pathogenicity. Review status: criteria provided, conflicting classifications (1 of 4 stars). 2 submissions from 2 submitters: Uncertain significance (1); Likely benign (1). Last evaluated 2021-11-22.

Conditions:
Inborn genetic diseases. Identifiers: MedGen C0950123, MeSH D030342.

Allele frequency attached by ClinVar (database versions not stated): gnomAD 0.00001; gnomAD exomes 0.00001 and 0.00002; ExAC 0.00002; TOPMed 0.00003.
gnomAD v4.1: 14 of 1,614,036 alleles (0.00087%); highest among the groups gnomAD compares: Admixed American, 0.017%; no homozygotes.

Submissions (2):

Labcorp Genetics (formerly Invitae), Labcorp
Classification: Uncertain significance. Last evaluated: 2021-11-22. Review status: criteria provided, single submitter. Criteria: Invitae Variant Classification Sherloc (09022015). Collection method: clinical testing. Allele origin: germline.
Comment: This sequence change replaces isoleucine, which is neutral and non-polar, with valine, which is neutral and non-polar, at codon 2036 of the NBAS protein (p.Ile2036Val). This variant is present in population databases (rs780422377, gnomAD 0.01%). This variant has not been reported in the literature in individuals affected with NBAS-related conditions. Algorithms developed to predict the effect of missense changes on protein structure and function output the following: SIFT: "Deleterious"; PolyPhen-2: "Benign"; Align-GVGD: "Class C25". The valine amino acid residue is found in multiple mammalian species, which suggests that this missense change does not adversely affect protein function. In summary, the available evidence is currently insufficient to determine the role of this variant in disease. Therefore, it has been classified as a Variant of Uncertain Significance.

Ambry Genetics
Classification: Likely benign for Inborn genetic diseases. Last evaluated: 2021-08-03. Review status: criteria provided, single submitter. Criteria: Ambry Variant Classification Scheme 2023. Collection method: clinical testing. Allele origin: germline.

NM_015909.4(NBAS):c.6106A>G (p.Ile2036Val)

Gene: NBAS (NBAS subunit of NRZ tethering complex; minus strand). Cytogenetic location: 2p24.3.
Variant type: single nucleotide variant.
Coding change: c.6106A>G on transcript NM_015909.4 (MANE Select); coding-DNA position 6106, A replaced by G.
Protein change: p.Ile2036Val; replaces isoleucine 2036 with valine.
Molecular consequence: missense variant. On other transcripts: non-coding transcript variant (1).
Genome position (GRCh38, 1-based): chr2:15,234,585, T>C on the plus strand (A>G on the coding strand, the complement: NBAS is on the minus strand). VCF-style: chr2-15234585-T-C. GRCh37 (hg19) VCF-style: chr2-15374709-T-C.
Other names: c.6106A>G (NM_015909.2); short protein forms I2036V.
Identifiers: ClinVar variation 1511996 (VCV001511996.4), dbSNP rs780422377, ClinGen allele CA1535115.